The following is an entry in ClinVar:

ClinVar aggregate classification (germline): Benign/Likely benign. Review status: criteria provided, multiple submitters, no conflicts (2 of 4 stars). 2 submissions from 2 submitters: Benign (1); Likely benign (1). Last evaluated 2024-05-13.

Conditions:
Familial cancer of breast. Also called: BREAST CANCER, FAMILIAL; Hereditary breast cancer; hereditary breast carcinoma. Identifiers: Orphanet 227535, MedGen C0346153, MONDO:0016419, OMIM 114480. Disease mechanism: loss of function.
Ataxia-telangiectasia syndrome (AT). Also called: Ataxia-telangiectasia, complementation group E; ATAXIA-TELANGIECTASIA, COMPLEMENTATION GROUP A; ATAXIA-TELANGIECTASIA, FRESNO VARIANT; Ataxia-telangiectasia; LOUIS-BAR SYNDROME; Ataxia-telangiectasia, complementation group D. Identifiers: Orphanet 100, MedGen C0004135, MONDO:0008840, OMIM 208900.

Allele frequency attached by ClinVar (database versions not stated): gnomAD exomes below 0.00001.
gnomAD v4.1: 2 of 1,613,916 alleles (0.00012%); highest among the groups gnomAD compares: South Asian, 0.0011%; no homozygotes.

Submissions (2):

Myriad Genetics, Inc.
Classification: Benign for Familial cancer of breast. Last evaluated: 2024-05-13. Review status: criteria provided, single submitter. Criteria: Myriad Autosomal Dominant, Autosomal Recessive and X-Linked Classification Criteria (2023). Collection method: clinical testing. Allele origin: unknown.
Comment: This variant is considered benign. This variant is a silent/synonymous amino acid change and it is not expected to impact splicing.

Labcorp Genetics (formerly Invitae), Labcorp
Classification: Likely benign for Ataxia-telangiectasia syndrome. Last evaluated: 2022-11-13. Review status: criteria provided, single submitter. Criteria: Invitae Variant Classification Sherloc (09022015). Collection method: clinical testing. Allele origin: germline.

NM_000051.4(ATM):c.3015T>C (p.Asn1005=)

Gene: ATM (ATM serine/threonine kinase; plus strand). Cytogenetic location: 11q22.3.
Variant type: single nucleotide variant.
Coding change: c.3015T>C on transcript NM_000051.4 (MANE Select); coding-DNA position 3015, T replaced by C.
Protein change: p.Asn1005=; no amino-acid change (asparagine 1005 retained).
Molecular consequence: synonymous variant.
Genome position (GRCh38, 1-based): chr11:108,271,344, T>C. VCF-style: chr11-108271344-T-C. GRCh37 (hg19) VCF-style: chr11-108142071-T-C.
Other names: c.3015T>C, p.Asn1005= (NM_001351834.2).
Identifiers: ClinVar variation 2814045 (VCV002814045.4), dbSNP rs2135553534, ClinGen allele CA476674388.